The following is an entry in ClinVar:

NM_000256.3(MYBPC3):c.2486T>C (p.Leu829Pro)

Gene: MYBPC3 (myosin binding protein C3; minus strand). Cytogenetic location: 11p11.2.
Variant type: single nucleotide variant.
Coding change: c.2486T>C on transcript NM_000256.3 (MANE Select); coding-DNA position 2486, T replaced by C.
Protein change: p.Leu829Pro; replaces leucine 829 with proline.
Molecular consequence: missense variant.
Genome position (GRCh38, 1-based): chr11:47,337,507, A>G on the plus strand (T>C on the coding strand, the complement: MYBPC3 is on the minus strand). VCF-style: chr11-47337507-A-G. GRCh37 (hg19) VCF-style: chr11-47359058-A-G.
Other names: short protein forms L829P.
Identifiers: ClinVar variation 3070722 (VCV003070722.1), dbSNP rs1277271092, ClinGen allele CA380318262.

ClinVar aggregate classification (germline): Uncertain significance (1 of 4 stars; one submission).

Conditions:
Hypertrophic cardiomyopathy. Also called: HYPERTROPHIC MYOCARDIOPATHY. Identifiers: Orphanet 217569, MedGen C0007194, MeSH D002312, MONDO:0005045, HP:0001639.

Allele frequency attached by ClinVar (database versions not stated): TOPMed 0.00001.

Submission:

All of Us Research Program, National Institutes of Health
Classification: Uncertain significance for Hypertrophic cardiomyopathy. Last evaluated: 2023-05-04. Review status: criteria provided, single submitter. Criteria: ACMG Guidelines, 2015. Collection method: clinical testing. Allele origin: germline. Inheritance: Autosomal dominant inheritance. Observed: 1 variant allele, 1 heterozygote.
Comment: This missense variant replaces leucine with proline at codon 829 of the MYBPC3 protein. Computational prediction suggests that this variant may not impact protein structure and function (internally defined REVEL score threshold <= 0.5, PMID: 27666373). To our knowledge, functional studies have not been reported for this variant. This variant has not been reported in individuals affected with MYBPC3-related disorders in the literature. This variant has not been identified in the general population by the Genome Aggregation Database (gnomAD). The available evidence is insufficient to determine the role of this variant in disease conclusively. Therefore, this variant is classified as a Variant of Uncertain Significance.

This study involves interpretation of variants in research participants for the purpose of population health screening. Participant phenotype was not available at the time of variant classification. Additional details can be found in publication PMID: 35346344, PMCID: PMC8962531